The following is an entry in ClinVar:

ClinVar aggregate classification (germline): Uncertain significance (1 of 4 stars; one submission).

gnomAD v4.1: 12 of 1,613,844 alleles (0.00074%); highest among the groups gnomAD compares: East Asian, 0.027%; no homozygotes.

Submission:

GeneDx
Classification: Uncertain significance. Last evaluated: 2024-05-17. Review status: criteria provided, single submitter. Criteria: GeneDx Variant Classification Process June 2021. Collection method: clinical testing. Allele origin: germline. Affected: yes.
Comment: Not observed at significant frequency in large population cohorts (gnomAD); In silico analysis indicates that this missense variant does not alter protein structure/function; Has not been previously published as pathogenic or benign to our knowledge

NM_004519.4(KCNQ3):c.2582C>T (p.Ser861Phe)

Gene: KCNQ3 (potassium voltage-gated channel subfamily Q member 3; minus strand). Cytogenetic location: 8q24.22.
Variant type: single nucleotide variant.
Coding change: c.2582C>T on transcript NM_004519.4 (MANE Select); coding-DNA position 2582, C replaced by T.
Protein change: p.Ser861Phe; replaces serine 861 with phenylalanine.
Molecular consequence: missense variant.
Genome position (GRCh38, 1-based): chr8:132,129,299, G>A on the plus strand (C>T on the coding strand, the complement: KCNQ3 is on the minus strand). VCF-style: chr8-132129299-G-A. GRCh37 (hg19) VCF-style: chr8-133141546-G-A.
Other names: c.2222C>T, p.Ser741Phe (NM_001204824.2); short protein forms S741F, S861F.
Identifiers: ClinVar variation 3377976 (VCV003377976.1).
Genomic context (GRCh38, chr8:132,129,299, plus strand): 5'-GAGGGGTCAGCCAGTGACCTCTTTTAAATGGGCTTATTGGAAGGGGTCCATACTGAATCA[G>A]AAATCCCATCCCCTGTGGACGACAGAGGCATGGAGCCGCTGGGCGTGAAGGGGTCCGTGT-3'
Protein context (NP_004510.1, residues 851-871): MPLSSTGDGI[Ser861Phe]DSVWTPSNKP